The following is an entry in ClinVar:

ClinVar aggregate classification (germline): Uncertain significance (1 of 4 stars; one submission).

Submission:

CeGaT Center for Human Genetics Tuebingen
Classification: Uncertain significance. Last evaluated: 2022-09-01. Review status: criteria provided, single submitter. Criteria: CeGaT Center For Human Genetics Tuebingen Variant Classification Criteria Version 2. Collection method: clinical testing. Allele origin: germline. Affected: yes. Observed: 1 variant allele.
Comment: MID1: PM2

NM_000381.4(MID1):c.275G>A (p.Ser92Asn)

Gene: MID1 (midline 1; minus strand). Cytogenetic location: Xp22.2.
Variant type: single nucleotide variant.
Coding change: c.275G>A on transcript NM_000381.4 (MANE Select); coding-DNA position 275, G replaced by A.
Protein change: p.Ser92Asn; replaces serine 92 with asparagine.
Molecular consequence: missense variant.
Genome position (GRCh38, 1-based): chrX:10,567,273, C>T on the plus strand (G>A on the coding strand, the complement: MID1 is on the minus strand). VCF-style: chrX-10567273-C-T. GRCh37 (hg19) VCF-style: chrX-10535313-C-T.
Other names: c.275G>A, p.Ser92Asn (NM_001098624.2, NM_001193277.1, NM_001193278.1 and 5 more transcripts); short protein forms S92N.
Identifiers: ClinVar variation 2659979 (VCV002659979.24), dbSNP rs2519201228, ClinGen allele CA412048716.